The following is an entry in ClinVar:

NM_032444.4(SLX4):c.3631G>A (p.Glu1211Lys)

Gene: SLX4 (SLX4 structure-specific endonuclease subunit; minus strand). Cytogenetic location: 16p13.3.
Variant type: single nucleotide variant.
Coding change: c.3631G>A on transcript NM_032444.4 (MANE Select); coding-DNA position 3631, G replaced by A.
Protein change: p.Glu1211Lys; replaces glutamic acid 1211 with lysine.
Molecular consequence: missense variant.
Genome position (GRCh38, 1-based): chr16:3,590,007, C>T on the plus strand (G>A on the coding strand, the complement: SLX4 is on the minus strand). VCF-style: chr16-3590007-C-T. GRCh37 (hg19) VCF-style: chr16-3640008-C-T.
Other names: c.3631G>A (LRG_503t1); short protein forms E1211K.
Identifiers: ClinVar variation 570395 (VCV000570395.5), dbSNP rs202032197, ClinGen allele CA7865885.

ClinVar aggregate classification (germline): Uncertain significance. Review status: criteria provided, multiple submitters, no conflicts (2 of 4 stars). 2 submissions from 2 submitters: Uncertain significance (2). Last evaluated 2024-02-13.

Conditions:
Fanconi anemia (FA). Also called: Fanconi's anemia. Identifiers: Orphanet 84, MedGen C0015625, MeSH D005199, MONDO:0019391.
Fanconi anemia complementation group P. Also called: SLX4-Related Fanconi Anemia. Identifiers: Orphanet 84, MedGen C3469542, MONDO:0013499, OMIM 613951.

Allele frequency attached by ClinVar (database versions not stated): ExAC 0.00001; gnomAD 0.00001; gnomAD exomes 0.00001 and 0.00003; TOPMed 0.00002; 1000 Genomes Project 30x 0.00016; 1000 Genomes Project 0.00020.
gnomAD v4.1: 42 of 1,614,100 alleles (0.0026%); highest among the groups gnomAD compares: Non-Finnish European, 0.0033%; no homozygotes.

Submissions (2):

Fulgent Genetics
Classification: Uncertain significance for Fanconi anemia complementation group P. Last evaluated: 2024-02-13. Review status: criteria provided, single submitter. Criteria: ACMG Guidelines, 2015. Collection method: clinical testing. Allele origin: germline.

Labcorp Genetics (formerly Invitae), Labcorp
Classification: Uncertain significance for Fanconi anemia. Last evaluated: 2022-08-16. Review status: criteria provided, single submitter. Criteria: Invitae Variant Classification Sherloc (09022015). Collection method: clinical testing. Allele origin: germline.
Comment: This sequence change replaces glutamic acid, which is acidic and polar, with lysine, which is basic and polar, at codon 1211 of the SLX4 protein (p.Glu1211Lys). This variant is present in population databases (rs202032197, gnomAD 0.003%). This variant has not been reported in the literature in individuals affected with SLX4-related conditions. ClinVar contains an entry for this variant (Variation ID: 570395). Algorithms developed to predict the effect of missense changes on protein structure and function are either unavailable or do not agree on the potential impact of this missense change (SIFT: "Tolerated"; PolyPhen-2: "Possibly Damaging"; Align-GVGD: "Class C0"). In summary, the available evidence is currently insufficient to determine the role of this variant in disease. Therefore, it has been classified as a Variant of Uncertain Significance.